The following is an entry in ClinVar:

ClinVar aggregate classification (germline): Pathogenic. Review status: criteria provided, single submitter (1 of 4 stars). 2 submissions from 2 submitters: Pathogenic (1). 1 of the submissions does not count toward it. Last evaluated 2024-09-02.

Conditions:
Familial thoracic aortic aneurysm and aortic dissection (TAAD). Also called: Thoracic aortic aneurysms and dissections. Identifiers: Orphanet 91387, MedGen C4707243, MONDO:0019625.

Submissions (2):

Labcorp Genetics (formerly Invitae), Labcorp
Classification: Pathogenic for Familial thoracic aortic aneurysm and aortic dissection. Last evaluated: 2024-09-02. Review status: criteria provided, single submitter. Criteria: Invitae Variant Classification Sherloc (09022015). Collection method: clinical testing. Allele origin: germline.
Comment: This sequence change replaces glutamic acid, which is acidic and polar, with alanine, which is neutral and non-polar, at codon 344 of the MAT2A protein (p.Glu344Ala). This variant is not present in population databases (gnomAD no frequency). This missense change has been observed in individuals with thoracic aortic aneurysm (PMID: 25557781; internal data). It has also been observed to segregate with disease in related individuals. ClinVar contains an entry for this variant (Variation ID: 265866). Invitae Evidence Modeling of protein sequence and biophysical properties (such as structural, functional, and spatial information, amino acid conservation, physicochemical variation, residue mobility, and thermodynamic stability) indicates that this missense variant is not expected to disrupt MAT2A protein function with a negative predictive value of 80%. Experimental studies have shown that this missense change affects MAT2A function (PMID: 25557781). For these reasons, this variant has been classified as Pathogenic.

OMIM
Classification: Uncertain significance for VARIANT OF UNKNOWN SIGNIFICANCE. Last evaluated: 2016-10-12. Review status: no assertion criteria provided. Collection method: literature only. Allele origin: germline. Not counted in ClinVar's aggregate classification.

Literature cited by the submitters: PubMed 25557781 (cited by Labcorp Genetics (formerly Invitae), Labcorp and OMIM).

NM_005911.6(MAT2A):c.1031A>C (p.Glu344Ala)

Genes: GGCX (gamma-glutamyl carboxylase; minus strand), MAT2A (methionine adenosyltransferase 2A; plus strand). Cytogenetic location: 2p11.2.
Variant type: single nucleotide variant.
Coding change: c.1031A>C on transcript NM_005911.6 (MANE Select); coding-DNA position 1031, A replaced by C.
Protein change: p.Glu344Ala; replaces glutamic acid 344 with alanine.
Molecular consequence: missense variant.
Genome position (GRCh38, 1-based): chr2:85,542,980, A>C. VCF-style: chr2-85542980-A-C. GRCh37 (hg19) VCF-style: chr2-85770103-A-C.
Other names: short protein forms E344A.
Identifiers: ClinVar variation 265866 (VCV000265866.3), dbSNP rs886039820, ClinGen allele CA10588849.